The following is an entry in ClinVar:

NM_173660.5(DOK7):c.1139C>A (p.Ala380Asp)

Gene: DOK7 (docking protein 7; plus strand). Cytogenetic location: 4p16.3.
Variant type: single nucleotide variant.
Coding change: c.1139C>A on transcript NM_173660.5 (MANE Select); coding-DNA position 1139, C replaced by A.
Protein change: p.Ala380Asp; replaces alanine 380 with aspartic acid.
Molecular consequence: missense variant. On other transcripts: 3 prime UTR variant (1).
Genome position (GRCh38, 1-based): chr4:3,493,125, C>A. VCF-style: chr4-3493125-C-A. GRCh37 (hg19) VCF-style: chr4-3494852-C-A.
Other names: c.*360C>A (NM_001164673.2); c.209C>A, p.Ala70Asp (NM_001256896.2); c.1139C>A, p.Ala380Asp (NM_001301071.2); c.707C>A, p.Ala236Asp (NM_001363811.2); c.1139C>A (NM_173660.4); short protein forms A236D, A380D, A70D.
Identifiers: ClinVar variation 1345375 (VCV001345375.8), dbSNP rs766061571, ClinGen allele CA2829378.

ClinVar aggregate classification (germline): Uncertain significance. Review status: criteria provided, multiple submitters, no conflicts (2 of 4 stars). 3 submissions from 3 submitters: Uncertain significance (3). Last evaluated 2024-07-06.

Conditions:
Congenital myasthenic syndrome 10. Also called: Myasthenia, limb-girdle, familial. Identifiers: Orphanet 590, MedGen C1850792, MONDO:0009690, OMIM 254300.
Fetal akinesia deformation sequence 1 (FADS1). Also called: Pena-Shokeir syndrome type I; Fetal akinesia sequence. Identifiers: Orphanet 994, MedGen C1276035, MONDO:0100101, OMIM 208150, HP:0001989.
Inborn genetic diseases. Identifiers: MedGen C0950123, MeSH D030342.

gnomAD v4.1: 115 of 1,591,696 alleles (0.0072%); highest among the groups gnomAD compares: Non-Finnish European, 0.0094%; no homozygotes.

Submissions (3):

Ambry Genetics
Classification: Uncertain significance for Inborn genetic diseases. Last evaluated: 2024-07-06. Review status: criteria provided, single submitter. Criteria: Ambry Variant Classification Scheme 2023. Collection method: clinical testing. Allele origin: germline.

Revvity Omics, Revvity
Classification: Uncertain significance. Last evaluated: 2023-03-31. Review status: criteria provided, single submitter. Criteria: ACMG Guidelines, 2015. Collection method: clinical testing. Allele origin: germline.

Labcorp Genetics (formerly Invitae), Labcorp
Classification: Uncertain significance for Congenital myasthenic syndrome 10; Fetal akinesia deformation sequence 1. Last evaluated: 2022-02-25. Review status: criteria provided, single submitter. Criteria: Invitae Variant Classification Sherloc (09022015). Collection method: clinical testing. Allele origin: germline.
Comment: This sequence change replaces alanine, which is neutral and non-polar, with aspartic acid, which is acidic and polar, at codon 380 of the DOK7 protein (p.Ala380Asp). The frequency data for this variant in the population databases is considered unreliable, as metrics indicate poor data quality at this position in the gnomAD database. This variant has not been reported in the literature in individuals affected with DOK7-related conditions. Algorithms developed to predict the effect of missense changes on protein structure and function are either unavailable or do not agree on the potential impact of this missense change (SIFT: "Tolerated"; PolyPhen-2: "Possibly Damaging"; Align-GVGD: "Class C0"). In summary, the available evidence is currently insufficient to determine the role of this variant in disease. Therefore, it has been classified as a Variant of Uncertain Significance.